The following is an entry in ClinVar:

NM_000540.3(RYR1):c.14928C>G (p.Phe4976Leu)

Gene: RYR1 (ryanodine receptor 1; plus strand). Cytogenetic location: 19q13.2.
Variant type: single nucleotide variant.
Coding change: c.14928C>G on transcript NM_000540.3 (MANE Select); coding-DNA position 14928, C replaced by G.
Protein change: p.Phe4976Leu; replaces phenylalanine 4976 with leucine.
Molecular consequence: missense variant.
Genome position (GRCh38, 1-based): chr19:38,586,150, C>G. VCF-style: chr19-38586150-C-G. GRCh37 (hg19) VCF-style: chr19-39076790-C-G.
Other names: NM_000540.3(RYR1):c.14928C>G; p.Phe4976Leu; c.14913C>G, p.Phe4971Leu (NM_001042723.2); short protein forms F4976L, F4971L.
Identifiers: ClinVar variation 201154 (VCV000201154.22), dbSNP rs368874586, ClinGen allele CA024278.
Genomic context (GRCh38, chr19:38,586,150, plus strand): 5'-GACCAAGTGCTTCATCTGTGGAATCGGCAGTGACTACTTTGATACGACACCGCATGGCTT[C>G]GAGACTCACACGCTGGAGGAGCACAACCTGGCCAATTACATGTGAGCAGACACACTGGCC-3'
Protein context (NP_000531.2, residues 4966-4986): SDYFDTTPHG[Phe4976Leu]ETHTLEEHNL

ClinVar aggregate classification (germline): Pathogenic. Review status: reviewed by expert panel (3 of 4 stars). 11 submissions from 11 submitters: Pathogenic (1). 10 of the submissions do not count toward it. Last evaluated 2026-01-12.

Conditions:
RYR1-related myopathy. Identifiers: Orphanet 98742, MedGen CN305348, MONDO:0100150.
Inborn genetic diseases. Identifiers: MedGen C0950123, MeSH D030342.
RYR1-related disorder. Also called: RYR1-related disorders; RYR1-related condition. Identifiers: MedGen CN239331.
Malignant hyperthermia of anesthesia. Also called: Anesthesic-triggered malignant hyperthermia. Identifiers: Orphanet 423, MedGen C0024591, MONDO:0018493, HP:0034733.
Malignant hyperthermia, susceptibility to, 1 (MHS1). Also called: Anesthesia related hyperthermia; Malignant hyperpyrexia; Fulminating hyperpyrexia; Pharmacogenic myopathy; Malignant hyperthermia suceptibility 1; RYR1-Related Malignant Hyperthermia Susceptibility. Identifiers: Orphanet 423, MedGen C2930980, MONDO:0007783, OMIM 145600.
Congenital multicore myopathy with external ophthalmoplegia (CMYO1B). Also called: MULTIMINICORE DISEASE WITH EXTERNAL OPHTHALMOPLEGIA; Minicore myopathy with external ophthalmoplegia; Congenital myopathy 1B, autosomal recessive; Minicore myopathy; MULTICORE MYOPATHY. Identifiers: Orphanet 598, Orphanet 98905, MedGen C1850674, MONDO:0009712, OMIM 255320, HP:0003789.
Central core myopathy (CMYO1A). Also called: Central core disease; Myopathy, central fibrillar; CONGENITAL MYOPATHY 1A, AUTOSOMAL DOMINANT, WITH SUSCEPTIBILITY TO MALIGNANT HYPERTHERMIA. Identifiers: Orphanet 597, MedGen C5830701, MONDO:0007294, OMIM 117000.

Allele frequency attached by ClinVar (database versions not stated): ExAC 0.00001; TOPMed 0.00002; gnomAD 0.00003.
gnomAD v4.1: 13 of 1,613,890 alleles (0.00081%); highest among the groups gnomAD compares: Non-Finnish European, 0.0011%; no homozygotes.

Submissions (11):

ClinGen Congenital Myopathies Variant Curation Expert Panel, ClinGen
Classification: Pathogenic for RYR1-related myopathy. Last evaluated: 2026-01-12. Review status: reviewed by expert panel. Criteria: ClinGen CongenMyopathy ACMG Specifications RYR1 AR V2.0.0. Collection method: curation. Allele origin: germline. Inheritance: Autosomal recessive inheritance.
Comment: The variant NM_000540.3:c.14928C>G in RYR1 is a missense variant predicted to cause substitution of phenylalanine by leucine at amino acid 4976 (p.Phe4976Leu). The highest minor allele frequency in gnomAD v4.1.0 is 0.00001102 (13/1180036 alleles) in non-Finnish European (PM2_Supporting, BS1, and BA1 are not met). The REVEL computational prediction analysis tool produced a score of 0.897, which is above the threshold of 0.7, evidence that correlates with impact to RYR1 function (PP3). This variant has been reported in homozygosity in two probands and in compound heterozygosity in six probands with clinical features compatible with RYR1-related myopathy (PM3_VeryStrong; PMIDs: 24706162, 25882082, 30155320, 31134282; Ambry Genetics, SCV000262905.5; Labcorp Genetics, SCV000932617.6; VCEP internal contributors). The variant segregated with disease in two additional family members (PP1_Moderate; PMIDs: 25882082, 30155320). In summary, the variant meets criteria to be classified as pathogenic for autosomal recessive RYR1-related myopathy. ACMG/AMP criteria met, as specified by the ClinGen Congenital Myopathies VCEP: PM3_VeryStrong, PP1_Moderate, PP3 (ClinGen Congenital Myopathies VCEP specifications version 2.0.0).

Labcorp Genetics (formerly Invitae), Labcorp
Classification: Pathogenic for RYR1-related disorder. Last evaluated: 2025-11-05. Review status: criteria provided, single submitter. Criteria: Invitae Variant Classification Sherloc (09022015). Collection method: clinical testing. Allele origin: germline. Not counted in ClinVar's aggregate classification.
Comment: This sequence change replaces phenylalanine, which is neutral and non-polar, with leucine, which is neutral and non-polar, at codon 4976 of the RYR1 protein (p.Phe4976Leu). This variant is present in population databases (rs368874586, gnomAD 0.002%). This missense change has been observed in individual(s) with autosomal recessive congenital myopathy (PMID: 24706162, 25882082, 30155320). In at least one individual the data is consistent with being in trans (on the opposite chromosome) from a pathogenic variant. It has also been observed to segregate with disease in related individuals. ClinVar contains an entry for this variant (Variation ID: 201154). Invitae Evidence Modeling of protein sequence and biophysical properties (such as structural, functional, and spatial information, amino acid conservation, physicochemical variation, residue mobility, and thermodynamic stability) indicates that this missense variant is expected to disrupt RYR1 protein function with a positive predictive value of 80%. For these reasons, this variant has been classified as Pathogenic.

Color Diagnostics, LLC DBA Color Health
Classification: Uncertain significance for Malignant hyperthermia, susceptibility to, 1. Last evaluated: 2024-04-24. Review status: criteria provided, single submitter. Criteria: ACMG Guidelines, 2015. Collection method: clinical testing. Allele origin: germline. Not counted in ClinVar's aggregate classification.
Comment: This missense variant replaces phenylalanine with leucine at codon 4976 of the RYR1 protein. Computational prediction suggests that this variant may have deleterious impact on protein structure and function. To our knowledge, functional studies have not been reported for this variant. This variant has not been reported in individuals affected with autosomal dominant malignant hyperthermia in the literature, although it is associated with other phenotype(s) (ClinVar variation ID: 201154). This variant has been identified in 2/282744 chromosomes in the general population by the Genome Aggregation Database (gnomAD). Due to insufficient evidence, this variant is classified as a Variant of Uncertain Significance for autosomal dominant malignant hyperthermia.

Blueprint Genetics
Classification: Pathogenic for RYR1-related disorders. Last evaluated: 2022-05-04. Review status: criteria provided, single submitter. Criteria: ACMG Guidelines, 2015. Collection method: clinical testing. Allele origin: germline. Affected: yes. Observed: 2 variant alleles. Not counted in ClinVar's aggregate classification.

Department of Pathophysiology and Transplantation, IRCCS Foundation Ca' Granda Ospedale Maggiore Policlinico
Classification: Pathogenic for Central core myopathy. Last evaluated: 2021-03-30. Review status: criteria provided, single submitter. Criteria: ACMG Guidelines, 2015. Collection method: clinical testing. Allele origin: germline. Affected: yes. Observed: 2 variant alleles. Not counted in ClinVar's aggregate classification.
Comment: The c. 14928C>G variant was found by NGS panel in two cousins of a family with Congenital Myopathy. The variant was observed in homozigous state in both patients while the parents were heterozigous carriers. They presented with axial and hypotonia, facial weakness and contractures.

The variant c.14928C>G caused a missense alteration p.Phe4976Leu in a highly conserved residue and was predected to be probably damaging by in silico analysis. This variant was already described in ClinVar (Variation ID: 201154)

Human Genome Sequencing Center Clinical Lab, Baylor College of Medicine
Classification: Likely pathogenic for Congenital multicore myopathy with external ophthalmoplegia. Last evaluated: 2018-07-18. Review status: criteria provided, single submitter. Criteria: ACMG Guidelines, 2015. Collection method: clinical testing. Allele origin: unknown. Not counted in ClinVar's aggregate classification.
Comment: DM: LP for myopathy, VUS for MH

PreventionGenetics, part of Exact Sciences
Classification: Pathogenic. Last evaluated: 2018-03-27. Review status: criteria provided, single submitter. Criteria: ACMG Guidelines, 2015. Collection method: clinical testing. Allele origin: germline. Not counted in ClinVar's aggregate classification.

Ambry Genetics
Classification: Likely pathogenic for Inborn genetic diseases. Last evaluated: 2013-09-13. Review status: criteria provided, single submitter. Criteria: Ambry Autosomal Dominant and X-Linked criteria (10/2015). Collection method: clinical testing. Allele origin: germline. Observed: 1 variant allele. Not counted in ClinVar's aggregate classification.

Rady Children's Institute for Genomic Medicine, Rady Children's Hospital San Diego
Classification: Pathogenic for RYR1-Related Disorders. Review status: criteria provided, single submitter. Criteria: ACMG Guidelines, 2015. Collection method: clinical testing. Allele origin: germline. Affected: yes. Not counted in ClinVar's aggregate classification.
Comment: This variant has been previously reported as a compound heterozygous change in patients with RYR1-associated myopathy (PMID: 24706162, 30715496). The c.14928C>G (p.Phe4976Leu) variant is present in the heterozygous state in the gnomAD population database at a frequency of 0.001% (2/282744) and is absent in the homozygous state, thus it is presumed to be rare. The c.14928C>G (p.Phe4976Leu) variant affects a highly conserved amino acid and is predicted by multiple in silico tools to have a deleterious effect on protein function. Based on the available evidence, the c.14928C>G (p.Phe4976Leu) variant is classified as Pathogenic.

All of Us Research Program, National Institutes of Health
Classification: Uncertain significance for Malignant hyperthermia, susceptibility to, 1. Last evaluated: 2024-08-06. Review status: flagged submission. Criteria: ACMG Guidelines, 2015. Collection method: clinical testing. Allele origin: germline. Inheritance: Autosomal dominant inheritance. Observed: 6 variant alleles, 6 heterozygotes. Not counted in ClinVar's aggregate classification.
Comment: This missense variant replaces phenylalanine with leucine at codon 4976 of the RYR1 protein. Computational prediction suggests that this variant may have deleterious impact on protein structure and function. To our knowledge, functional studies have not been reported for this variant. This variant has not been reported in individuals affected with autosomal dominant malignant hyperthermia in the literature, although it is associated with other phenotype(s) (ClinVar variation ID: 201154). This variant has been identified in 2/282744 chromosomes in the general population by the Genome Aggregation Database (gnomAD). Due to insufficient evidence, this variant is classified as a Variant of Uncertain Significance for autosomal dominant malignant hyperthermia.

This study involves interpretation of variants in research participants for the purpose of population health screening. Participant phenotype was not available at the time of variant classification. Additional details can be found in publication PMID: 35346344, PMCID: PMC8962531
ClinVar note: Reason: Outlier claim with insufficient supporting evidence

CSER _CC_NCGL, University of Washington
Classification: Uncertain significance for Malignant hyperthermia. Last evaluated: 2016-10-01. Review status: flagged submission. Criteria: Amendola et al. (Genome Res. 2015). Collection method: research. Allele origin: germline. Affected: no. Study: CSER - NEXT Medicine variant annotation. Not counted in ClinVar's aggregate classification.
Comment: This interpretation considers GERP score and allele frequency data, in addition to published reports of the variant in the literature, available at the time of review.
ClinVar note: Reason: Older and outlier claim with insufficient supporting evidence

Literature cited by the submitters: PubMed 24706162 (cited by Labcorp Genetics (formerly Invitae), Labcorp and Department of Pathophysiology and Transplantation, IRCCS Foundation Ca' Granda Ospedale Maggiore Policlinico); PubMed 25882082 (cited by Labcorp Genetics (formerly Invitae), Labcorp); PubMed 30155320 (cited by Labcorp Genetics (formerly Invitae), Labcorp).